The following is an entry in ClinVar:

ClinVar aggregate classification (germline): Pathogenic. Review status: criteria provided, single submitter (1 of 4 stars). 3 submissions from 2 submitters: Pathogenic (1). 2 of the submissions do not count toward it. Last evaluated 2024-03-17.

Conditions:
Autosomal recessive retinitis pigmentosa. Identifiers: MedGen C0339526.
Retinitis pigmentosa 38 (RP38). Also called: ROD-CONE DYSTROPHY, CHILDHOOD-ONSET. Identifiers: Orphanet 791, MedGen C3151228, MONDO:0013469, OMIM 613862.

gnomAD v4.1: 1 of 1,613,592 alleles (0.000062%); no homozygotes.

Submissions (3):

Genomic Medicine Center of Excellence, King Faisal Specialist Hospital and Research Centre
Classification: Pathogenic for Retinitis pigmentosa 38. Last evaluated: 2024-03-17. Review status: criteria provided, single submitter. Criteria: ACMG Guidelines, 2015. Collection method: research. Allele origin: germline.

Faculty of Health Sciences, Beirut Arab University
Classification: Pathogenic for Autosomal recessive Retinitis Pigmentosa. Last evaluated: 2018-05-23. Review status: no assertion criteria provided. Collection method: literature only. Allele origin: germline. Affected: yes. Observed: 2 variant alleles. Not counted in ClinVar's aggregate classification.

Genomic Medicine Center of Excellence, King Faisal Specialist Hospital and Research Centre
Classification: Likely pathogenic. Review status: flagged submission. Criteria: ACMG Guidelines, 2015. Collection method: research. Allele origin: germline. Affected: yes. Not counted in ClinVar's aggregate classification.
ClinVar note: Reason: This record appears to be redundant with a more recent record from the same submitter.
ClinVar note: Notes: SCV000221501 appears to be redundant with SCV004804839.

Literature cited by the submitters: PubMed 29659094 (cited by Faculty of Health Sciences, Beirut Arab University); PubMed 26355662 (cited by Faculty of Health Sciences, Beirut Arab University).

NM_006343.3(MERTK):c.1604+2T>G

Gene: MERTK (MER proto-oncogene, tyrosine kinase; plus strand). Cytogenetic location: 2q13.
Variant type: single nucleotide variant.
Coding change: c.1604+2T>G on transcript NM_006343.3 (MANE Select); the canonical splice donor site of the intron after coding-DNA position 1604, T replaced by G.
Molecular consequence: splice donor variant.
Genome position (GRCh38, 1-based): chr2:111,997,478, T>G. VCF-style: chr2-111997478-T-G. GRCh37 (hg19) VCF-style: chr2-112755055-T-G.
Identifiers: ClinVar variation 191124 (VCV000191124.4), dbSNP rs786205534, ClinGen allele CA236069.
Genomic context (GRCh38, chr2:111,997,478, plus strand): 5'-GGGTTGATTTTATACATCTCCTTGGCCATCAGAAAAAGAGTCCAGGAGACAAAGTTTGGG[T>G]AAGTCTCCCAGCTAAAAATGTTTGCCCACTGGTATTGACAAGGTTGTTATACCAAGTGAT-3'